The following is an entry in ClinVar:

ClinVar aggregate classification (germline): Uncertain significance. Review status: criteria provided, multiple submitters, no conflicts (2 of 4 stars). 2 submissions from 2 submitters: Uncertain significance (2). Last evaluated 2025-11-26.

Submissions (2):

Ambry Genetics
Classification: Uncertain significance. Last evaluated: 2025-11-26. Review status: criteria provided, single submitter. Criteria: Ambry Variant Classification Scheme 2023. Collection method: clinical testing. Allele origin: germline.

HudsonAlpha Institute for Biotechnology
Classification: Uncertain significance. Last evaluated: 2022-06-21. Review status: criteria provided, single submitter. Criteria: ACMG Guidelines, 2015. Collection method: research. Allele origin: unknown. Observed: 1 variant allele. Study: HudsonAlpha-AGHI-WGS.
Comment: ACMG codes:PM2_Moderate, PP3_Supporting

NM_004540.5(NCAM2):c.365C>T (p.Ser122Phe)

Gene: NCAM2 (neural cell adhesion molecule 2; plus strand). Cytogenetic location: 21q21.1.
Variant type: single nucleotide variant.
Coding change: c.365C>T on transcript NM_004540.5 (MANE Select); coding-DNA position 365, C replaced by T.
Protein change: p.Ser122Phe; replaces serine 122 with phenylalanine.
Molecular consequence: missense variant. On other transcripts: intron variant (1).
Genome position (GRCh38, 1-based): chr21:21,286,296, C>T. VCF-style: chr21-21286296-C-T. GRCh37 (hg19) VCF-style: chr21-22658616-C-T.
Other names: c.365C>T (NM_004540.3); c.365C>T, p.Ser122Phe (NM_001352591.2, NM_001352593.2, NM_001352594.2 and 1 more transcripts); c.440C>T, p.Ser147Phe (NM_001352592.2, NM_001352597.2); c.56-5808C>T (NM_001352595.2); short protein forms S122F, S147F.
Identifiers: ClinVar variation 1803737 (VCV001803737.2), dbSNP rs2516987658, ClinGen allele CA409814734.